The following is an entry in ClinVar:

NM_206937.2(LIG4):c.*1081C>T

Gene: LIG4 (DNA ligase 4; minus strand). Cytogenetic location: 13q33.3.
Variant type: single nucleotide variant.
Coding change: c.*1081C>T on transcript NM_206937.2 (MANE Select); 1081 bases downstream of the stop codon, C replaced by T.
Molecular consequence: 3 prime UTR variant.
Genome position (GRCh38, 1-based): chr13:108,207,452, G>A on the plus strand (C>T on the coding strand, the complement: LIG4 is on the minus strand). VCF-style: chr13-108207452-G-A. GRCh37 (hg19) VCF-style: chr13-108859800-G-A.
Other names: c.*1081C>T (NM_001098268.2, NM_001330595.2, NM_001352598.2 and 8 more transcripts).
Identifiers: ClinVar variation 310947 (VCV000310947.5), dbSNP rs113388531, ClinGen allele CA10638911.

ClinVar aggregate classification (germline): Benign. Review status: criteria provided, single submitter (1 of 4 stars). 2 submissions from 1 submitter: Benign (2). Last evaluated 2018-01-12.

Conditions:
DNA ligase IV deficiency. Identifiers: Orphanet 99812, MedGen C1847827, MONDO:0011686, OMIM 606593.
Severe combined immunodeficiency due to DCLRE1C deficiency (RS-SCID). Also called: SCID, AUTOSOMAL RECESSIVE, T CELL-NEGATIVE, B CELL-NEGATIVE, NK CELL-POSITIVE, WITH SENSITIVITY TO IONIZING RADIATION. Identifiers: Orphanet 275, MedGen C1865371, MONDO:0011225, OMIM 602450.

Allele frequency attached by ClinVar (database versions not stated): 1000 Genomes Project 0.03514; gnomAD 0.03056 and 0.03279; TOPMed 0.03418; 1000 Genomes Project 30x 0.03467.

Submissions (2):

Illumina Laboratory Services, Illumina
Classification: Benign for DNA ligase IV deficiency. Last evaluated: 2018-01-12. Review status: criteria provided, single submitter. Criteria: ICSL Variant Classification Criteria 13 December 2019. Collection method: clinical testing. Allele origin: germline.
Comment: This variant was observed in the ICSL laboratory as part of a predisposition screen in an ostensibly healthy population. It had not been previously curated by ICSL or reported in the Human Gene Mutation Database (HGMD: prior to June 1st, 2018), and was therefore a candidate for classification through an automated scoring system. Utilizing variant allele frequency, disease prevalence and penetrance estimates, and inheritance mode, an automated score was calculated to assess if this variant is too frequent to cause the disease. Based on the score and internal cut-off values, a variant classified as benign is not then subjected to further curation. The score for this variant resulted in a classification of benign for this disease.

Illumina Laboratory Services, Illumina
Classification: Benign for Severe combined immunodeficiency due to DCLRE1C deficiency. Last evaluated: 2018-01-12. Review status: criteria provided, single submitter. Criteria: ICSL Variant Classification Criteria 13 December 2019. Collection method: clinical testing. Allele origin: germline.
Comment: the same text as in the submission from Illumina Laboratory Services, Illumina above.